The following is an entry in ClinVar:

ClinVar aggregate classification (germline): Likely pathogenic (1 of 4 stars; one submission).

Conditions:
Autosomal recessive polycystic kidney disease (ARPKD). Also called: AR polycystic kidney disease. Identifiers: Orphanet 731, Orphanet 8378, MedGen C0085548, MeSH D017044, MONDO:0009889.

Submission:

Natera, Inc.
Classification: Likely pathogenic for Autosomal recessive polycystic kidney disease. Last evaluated: 2025-05-26. Review status: criteria provided, single submitter. Criteria: Natera Variant Classification Schema (03/2026). Collection method: clinical testing. Allele origin: germline.
Comment: The c.9338_9339del variant in PKHD1 is a frameshift variant predicted to shift the reading frame beginning at codon 3113 and leads to a stop codon 2 codons downstream. This variant is expected to result in nonsense mediated decay, truncation, or a dysfunctional protein product. This variant is rare in the general population with a frequency below the threshold expected for the associated phenotype(s). Given the available evidence, this variant is classified as Likely Pathogenic.

NM_138694.4(PKHD1):c.9338_9339del (p.Ser3113fs)

Gene: PKHD1 (PKHD1 ciliary IPT domain containing fibrocystin/polyductin; minus strand). Cytogenetic location: 6p12.3.
Variant type: Microsatellite.
Coding change: c.9338_9339del on transcript NM_138694.4 (MANE Select); coding-DNA positions 9338 to 9339, 2 bases deleted (CT; older notation c.9338_9339delCT).
Protein change: p.Ser3113fs; shifts the reading frame from serine 3113.
Molecular consequence: frameshift variant.
Genome position (GRCh38, 1-based): chr6:51,748,277-51,748,278, AG deleted on the plus strand (CT on the coding strand, the reverse complement: PKHD1 is on the minus strand); deleting any 2 consecutive bases within chr6:51,748,277-51,748,280 gives the same sequence; the c. name uses the placement nearest the transcript's 3' end. VCF-style (leftmost placement, unchanged base first): chr6-51748276-AAG-A. GRCh37 (hg19) VCF-style: chr6-51613074-AAG-A.
Other names: c.9338_9339del, p.Ser3113fs (NM_170724.3); short protein forms S3113fs.
Identifiers: ClinVar variation 4059814 (VCV004059814.2).